The following is an entry in ClinVar:

ClinVar aggregate classification (germline): Benign/Likely benign. Review status: criteria provided, multiple submitters, no conflicts (2 of 4 stars). 4 submissions from 4 submitters: Benign (1); Likely benign (2). 1 of the submissions does not count toward it. Last evaluated 2026-09-01.

Conditions:
REST-related disorder. Also called: REST-related condition.

Allele frequency attached by ClinVar (database versions not stated): 1000 Genomes Project 30x 0.00016; 1000 Genomes Project 0.00020; TOPMed 0.00100; gnomAD exomes 0.00166 and 0.00177; gnomAD 0.00171 and 0.00185; ExAC 0.00202; ESP Exome Variant Server 0.00208.
gnomAD v4.1: 2,660 of 1,614,164 alleles (0.16%); highest among the groups gnomAD compares: Non-Finnish European, 0.19%; 4 homozygotes.

Submissions (4):

CeGaT Center for Human Genetics Tuebingen
Classification: Likely benign. Last evaluated: 2026-09-01. Review status: criteria provided, single submitter. Criteria: CeGaT Center For Human Genetics Tuebingen Variant Classification Criteria Version 2. Collection method: clinical testing. Allele origin: germline. Affected: yes. Observed: 10 variant alleles.
Comment: REST: BP4, BS1

Labcorp Genetics (formerly Invitae), Labcorp
Classification: Benign. Last evaluated: 2026-01-21. Review status: criteria provided, single submitter. Criteria: Invitae Variant Classification Sherloc (09022015). Collection method: clinical testing. Allele origin: germline.

Blueprint Genetics
Classification: Likely benign. Last evaluated: 2024-11-21. Review status: criteria provided, single submitter. Criteria: ACMG Guidelines, 2015. Collection method: clinical testing. Allele origin: germline.

PreventionGenetics, part of Exact Sciences
Classification: Benign for REST-related condition. Last evaluated: 2021-05-04. Review status: no assertion criteria provided. Collection method: clinical testing. Allele origin: germline. Not counted in ClinVar's aggregate classification.
Comment: This variant is classified as benign based on ACMG/AMP sequence variant interpretation guidelines (Richards et al. 2015 PMID: 25741868, with internal and published modifications).

NM_005612.5(REST):c.367C>G (p.Pro123Ala)

Gene: REST (RE1 silencing transcription factor; plus strand). Cytogenetic location: 4q12.
Variant type: single nucleotide variant.
Coding change: c.367C>G on transcript NM_005612.5 (MANE Select); coding-DNA position 367, C replaced by G.
Protein change: p.Pro123Ala; replaces proline 123 with alanine.
Molecular consequence: missense variant.
Genome position (GRCh38, 1-based): chr4:56,911,005, C>G. VCF-style: chr4-56911005-C-G. GRCh37 (hg19) VCF-style: chr4-57777171-C-G.
Other names: c.367C>G, p.Pro123Ala (NM_001193508.2, NM_001363453.3); short protein forms P123A.
Identifiers: ClinVar variation 712906 (VCV000712906.36), dbSNP rs149829250, ClinGen allele CA2932090.